The following is an entry in ClinVar:

ClinVar aggregate classification (germline): Likely benign (1 of 4 stars; one submission).

Conditions:
Leigh syndrome (NULS). Also called: Leigh's necrotizing encephalopathy; Leigh's disease; Leigh Syndrome (mtDNA deletion); Leigh Disease; Subacute necrotizing encephalopathy; Necrotizing encephalopathy infantile subacute of Leigh. Identifiers: Orphanet 506, MedGen C2931891, MONDO:0009723, OMIM 256000.

Submission:

Wong Mito Lab, Molecular and Human Genetics, Baylor College of Medicine
Classification: Likely benign for Leigh syndrome. Last evaluated: 2019-10-17. Review status: criteria provided, single submitter. Criteria: Modified ACMG Guidelines (Unpublished). Collection method: clinical testing. Allele origin: germline.
Comment: The NC_012920.1:m.9633T>C (YP_003024032.1:p.Ser143Pro) variant in MTCO3 gene is interpretated to be a Likely Benign variant based on the modified ACMG guidelines (unpublished). This variant meets the following evidence codes: BP4, BP5

NC_012920.1(MT-CO3):m.9633T>C

Gene: MT-CO3 (mitochondrially encoded cytochrome c oxidase III; plus strand).
Variant type: single nucleotide variant.
Genome position: chrM-9633-T-C.
Identifiers: ClinVar variation 693195 (VCV000693195.1), dbSNP rs1603222407, ClinGen allele CA414803361.